The following is an entry in ClinVar:

NM_000395.3(CSF2RB):c.1944A>G (p.Pro648=)

Gene: CSF2RB (colony stimulating factor 2 receptor subunit beta; plus strand). Cytogenetic location: 22q12.3.
Variant type: single nucleotide variant.
Coding change: c.1944A>G on transcript NM_000395.3 (MANE Select); coding-DNA position 1944, A replaced by G.
Protein change: p.Pro648=; no amino-acid change (proline 648 retained).
Molecular consequence: synonymous variant.
Genome position (GRCh38, 1-based): chr22:36,937,752, A>G. VCF-style: chr22-36937752-A-G. GRCh37 (hg19) VCF-style: chr22-37333794-A-G.
Other names: p.Pro648=.
Identifiers: ClinVar variation 226549 (VCV000226549.19), dbSNP rs131840, ClinGen allele CA10214010.

ClinVar aggregate classification (germline): Benign. Review status: criteria provided, multiple submitters, no conflicts (2 of 4 stars). 6 submissions from 6 submitters: Benign (6). Last evaluated 2026-02-04.

Allele frequency attached by ClinVar (database versions not stated): ESP Exome Variant Server 0.76157; TOPMed 0.76655; gnomAD 0.76677 and 0.77443; 1000 Genomes Project 30x 0.79888; 1000 Genomes Project 0.80232; gnomAD exomes 0.81855 and 0.83274; ExAC 0.83552.
gnomAD v4.1: 1,277,551 of 1,569,224 alleles (81%); highest among the groups gnomAD compares: East Asian, 94%; 522,375 homozygotes.

Submissions (6):

Labcorp Genetics (formerly Invitae), Labcorp
Classification: Benign. Last evaluated: 2026-02-04. Review status: criteria provided, single submitter. Criteria: Invitae Variant Classification Sherloc (09022015). Collection method: clinical testing. Allele origin: germline.

Blueprint Genetics
Classification: Benign. Last evaluated: 2024-11-28. Review status: criteria provided, single submitter. Criteria: ACMG Guidelines, 2015. Collection method: clinical testing. Allele origin: germline.

Mayo Clinic Laboratories, Mayo Clinic
Classification: Benign. Last evaluated: 2022-09-06. Review status: criteria provided, single submitter. Criteria: ACMG Guidelines, 2015. Collection method: clinical testing. Allele origin: germline. Observed: 10 variant alleles.

GeneDx
Classification: Benign. Last evaluated: 2018-11-28. Review status: criteria provided, single submitter. Criteria: GeneDx Variant Classification Process June 2021. Collection method: clinical testing. Allele origin: germline. Affected: yes.

Laboratory for Molecular Medicine, Mass General Brigham Personalized Medicine
Classification: Benign. Last evaluated: 2014-11-24. Review status: criteria provided, single submitter. Criteria: LMM Criteria. Collection method: clinical testing. Allele origin: germline. Observed: 43 variant alleles.
Comment: Pro648Pro in exon 14 of CSF2RB: This variant is not expected to have clinical si gnificance because it does not alter an amino acid residue and is not located wi thin the splice consensus sequence. It has been identified in 34.1% (1489/4366) of African American chromosomes from a broad population by the NHLBI Exome Seque ncing Project (dbSNP rs131840).

Breakthrough Genomics
Classification: Benign. Review status: criteria provided, single submitter. Criteria: ACMG Guidelines, 2015. Collection method: not provided. Allele origin: germline. Inheritance: Autosomal recessive inheritance. Affected: yes.